The following is an entry in ClinVar:

ClinVar aggregate classification (germline): Uncertain significance (1 of 4 stars; one submission).

Conditions:
Fanconi anemia complementation group J. Also called: BRIP1-Related Fanconi Anemia. Identifiers: Orphanet 84, MedGen C1836860, MONDO:0012187, OMIM 609054.
Familial cancer of breast. Also called: hereditary breast carcinoma; BREAST CANCER, FAMILIAL; Hereditary breast cancer. Identifiers: Orphanet 227535, MedGen C0346153, MONDO:0016419, OMIM 114480. Disease mechanism: loss of function.

Submission:

Labcorp Genetics (formerly Invitae), Labcorp
Classification: Uncertain significance for Familial cancer of breast; Fanconi anemia complementation group J. Last evaluated: 2019-03-06. Review status: criteria provided, single submitter. Criteria: Invitae Variant Classification Sherloc (09022015). Collection method: clinical testing. Allele origin: germline.
Comment: In summary, the available evidence is currently insufficient to determine the role of this variant in disease. Therefore, it has been classified as a Variant of Uncertain Significance. Algorithms developed to predict the effect of missense changes on protein structure and function (SIFT, PolyPhen-2, Align-GVGD) all suggest that this variant is likely to be tolerated, but these predictions have not been confirmed by published functional studies and their clinical significance is uncertain. This variant has not been reported in the literature in individuals with BRIP1-related conditions. This variant is not present in population databases (ExAC no frequency). This sequence change replaces lysine with arginine at codon 1018 of the BRIP1 protein (p.Lys1018Arg). The lysine residue is weakly conserved and there is a small physicochemical difference between lysine and arginine.

NM_032043.3(BRIP1):c.3053A>G (p.Lys1018Arg)

Gene: BRIP1 (BRCA1 interacting DNA helicase 1; minus strand). Cytogenetic location: 17q23.2.
Variant type: single nucleotide variant.
Coding change: c.3053A>G on transcript NM_032043.3 (MANE Select); coding-DNA position 3053, A replaced by G.
Protein change: p.Lys1018Arg; replaces lysine 1018 with arginine.
Molecular consequence: missense variant.
Genome position (GRCh38, 1-based): chr17:61,683,993, T>C on the plus strand (A>G on the coding strand, the complement: BRIP1 is on the minus strand). VCF-style: chr17-61683993-T-C. GRCh37 (hg19) VCF-style: chr17-59761354-T-C.
Other names: short protein forms K1018R.
Identifiers: ClinVar variation 840166 (VCV000840166.10), dbSNP rs2061321875, ClinGen allele CA400479907.
Genomic context (GRCh38, chr17:61,683,993, plus strand): 5'-GTTTTGAAACGGGGAGGACTAGAGGCACTATTCTCTGATGACCCGAGCTCAGGTGTTGCC[T>C]TCGGTATTTTACCAGTAAAATACTGTCCCAAAGAATTAAAGCTTGACCAGCTAACTCTCT-3'
Protein context (NP_114432.2, residues 1008-1028): LGQYFTGKIP[Lys1018Arg]ATPELGSSEN